The following is an entry in ClinVar:

ClinVar aggregate classification (germline): Likely benign (1 of 4 stars; one submission).

Submission:

CeGaT Center for Human Genetics Tuebingen
Classification: Likely benign. Last evaluated: 2025-03-01. Review status: criteria provided, single submitter. Criteria: CeGaT Center For Human Genetics Tuebingen Variant Classification Criteria Version 2. Collection method: clinical testing. Allele origin: germline. Affected: yes. Observed: 1 variant allele.
Comment: MXRA7: BP4, BP7

NM_198530.4(MXRA7):c.66C>T (p.Leu22=)

Gene: MXRA7 (matrix remodeling associated 7; minus strand). Cytogenetic location: 17q25.1.
Variant type: single nucleotide variant.
Coding change: c.66C>T on transcript NM_198530.4 (MANE Select); coding-DNA position 66, C replaced by T.
Protein change: p.Leu22=; no amino-acid change (leucine 22 retained).
Molecular consequence: synonymous variant.
Genome position (GRCh38, 1-based): chr17:76,710,881, G>A on the plus strand (C>T on the coding strand, the complement: MXRA7 is on the minus strand). VCF-style: chr17-76710881-G-A. GRCh37 (hg19) VCF-style: chr17-74706963-G-A.
Other names: c.66C>T, p.Leu22= (NM_001008528.3, NM_001008529.3).
Identifiers: ClinVar variation 3778193 (VCV003778193.7).
Genomic context (GRCh38, chr17:76,710,881, plus strand): 5'-CGGGGGCGCGCGGGCAGGCTCCGGGCTCGCGGCCGCCCCACGCCGCACCAGTAGCCAGGC[G>A]AGCAGAAGGGCCAGCGCGGTGGCCAGCGCAGGCAGCGCGGCCAGTAGCTCGGCCGGCGCC-3'
Protein context (NP_940932.2, residues 12-32): PALATALALL[Leu22=]AWLLVRRGAA